The following is an entry in ClinVar:

ClinVar aggregate classification (germline): Pathogenic/Likely pathogenic. Review status: criteria provided, multiple submitters, no conflicts (2 of 4 stars). 3 submissions from 3 submitters: Pathogenic (2); Likely pathogenic (1). Last evaluated 2025-03-25.

Conditions:
Joubert syndrome and related disorders. Identifiers: Orphanet 140874, MedGen C5679612, MONDO:0015369.
CC2D2A-related disorder. Also called: CC2D2A-related disorders; CC2D2A-related condition. Identifiers: MedGen CN239313.
Joubert syndrome. Also called: JOUBERT-BOLTSHAUSER SYNDROME; Familial aplasia of the vermis. Identifiers: Orphanet 475, MedGen C5979921, MONDO:0018772.
Meckel-Gruber syndrome. Also called: DYSENCEPHALIA SPLANCHNOCYSTICA; GRUBER SYNDROME; Dysencephalia splachnocystica. Identifiers: Orphanet 564, MedGen C0265215, MONDO:0018921.

Submissions (3):

Labcorp Genetics (formerly Invitae), Labcorp
Classification: Pathogenic for Joubert syndrome; Meckel-Gruber syndrome. Last evaluated: 2025-03-25. Review status: criteria provided, single submitter. Criteria: Invitae Variant Classification Sherloc (09022015). Collection method: clinical testing. Allele origin: germline.
Comment: This sequence change creates a premature translational stop signal (p.Glu959Asnfs*3) in the CC2D2A gene. It is expected to result in an absent or disrupted protein product. Loss-of-function variants in CC2D2A are known to be pathogenic (PMID: 19777577). This variant is not present in population databases (gnomAD no frequency). This premature translational stop signal has been observed in individual(s) with a CC2D2A-related condition (PMID: 26729329). ClinVar contains an entry for this variant (Variation ID: 1074828). For these reasons, this variant has been classified as Pathogenic.

Myriad Genetics, Inc.
Classification: Pathogenic for Joubert syndrome and related disorders. Last evaluated: 2024-10-01. Review status: criteria provided, single submitter. Criteria: Myriad Autosomal Dominant, Autosomal Recessive and X-Linked Classification Criteria (2023). Collection method: clinical testing. Allele origin: unknown.
Comment: NM_001080522.2(CC2D2A):c.2875delG(E959Nfs*3) is expected to be pathogenic in the context of CC2D2A-related disorders. This variant is predicted to lead to an abnormal or absent protein product due to the creation of a premature termination codon in CC2D2A, a gene where loss-of-function variants are known to be pathogenic. Please note: this variant was assessed in the context of healthy population screening.

Blueprint Genetics
Classification: Likely pathogenic for CC2D2A-related disorders. Last evaluated: 2022-12-09. Review status: criteria provided, single submitter. Criteria: ACMG Guidelines, 2015. Collection method: clinical testing. Allele origin: germline. Affected: yes. Observed: 3 variant alleles.

Literature cited by the submitters: PubMed 19777577 (cited by Labcorp Genetics (formerly Invitae), Labcorp); PubMed 26729329 (cited by Labcorp Genetics (formerly Invitae), Labcorp).

NM_001378615.1(CC2D2A):c.2875del (p.Glu959fs)

Genes: CC2D2A (coiled-coil and C2 domain containing 2A; plus strand), FBXL5 (F-box and leucine rich repeat protein 5; minus strand). Cytogenetic location: 4p15.32.
Variant type: Deletion.
Coding change: c.2875del on transcript NM_001378615.1 (MANE Select); coding-DNA position 2875, one base deleted (G; older notation c.2875delG).
Protein change: p.Glu959fs; shifts the reading frame from glutamic acid 959.
Molecular consequence: frameshift variant.
Genome position (GRCh38, 1-based): chr4:15,559,210, G deleted; the last of 2 consecutive G bases (chr4:15,559,209-15,559,210); deleting either gives the same sequence. VCF-style (leftmost placement, unchanged base first): chr4-15559208-AG-A. GRCh37 (hg19) VCF-style: chr4-15560831-AG-A.
Other names: c.2875del, p.Glu959fs (NM_001080522.2); c.2728del, p.Glu910fs (NM_001378617.1); short protein forms E910fs, E959fs.
Identifiers: ClinVar variation 1074828 (VCV001074828.11), dbSNP rs2109060174, ClinGen allele CA2499217139.
Genomic context (GRCh38, chr4:15,559,208, plus strand): 5'-CCTCTTTTTAATTTTAGGACTATGAGAAACGGTTACGAGACAGAAATGTAATAGAAACCA[AG>A]GAACACATAGACACCCATAGGGCCATAGTAGCCAAGTACCTCCAGCAGGTAAGAAAAATC-3'